The following is an entry in ClinVar:

ClinVar aggregate classification (germline): Likely pathogenic (1 of 4 stars; one submission).

Conditions:
Hyperlipoproteinemia, type I. Also called: Familial hyperlipo-proteinemia type 1; Hyperlipemia essential familial; HYPERLIPOPROTEINEMIA, TYPE IA; LPL DEFICIENCY; Lipase D deficiency; Familial Lipoprotein Lipase Deficiency. Identifiers: Orphanet 309015, Orphanet 444490, MedGen C0023817, MONDO:0009387, OMIM 238600. Disease mechanism: loss of function.

Submission:

Women's Health and Genetics/Laboratory Corporation of America, LabCorp
Classification: Likely pathogenic for Hyperlipoproteinemia, type I. Last evaluated: 2025-05-28. Review status: criteria provided, single submitter. Criteria: LabCorp Variant Classification Summary - May 2015. Collection method: clinical testing. Allele origin: germline.
Comment: Variant summary: LPL c.833C>G (p.Ser278Cys) results in a non-conservative amino acid change in the encoded protein sequence. Algorithms developed to predict the effect of missense changes on protein structure and function all suggest that this variant is likely to be disruptive. The variant was absent in 251328 control chromosomes (gnomAD). c.833C>G has been observed in individuals affected with Familial Lipoprotein Lipase Deficiency and/or Hypertriglyceridemia (e.g., Bijvoet_1996, Surendran_2014, Rodrigues_2016). These data indicate that the variant may be associated with disease. At least one publication reports experimental evidence evaluating an impact on protein function, finding that the variant resulted in a complete loss of normal LPL activity (Bijvoet_1996). The following publications have been ascertained in the context of this evaluation (PMID: 8973094, 22239554, 27055971). No submitters have cited clinical-significance assessments for this variant to ClinVar. Based on the evidence outlined above, the variant was classified as likely pathogenic.

Literature cited by the submitters: PubMed 22239554; PubMed 27055971; PubMed 8973094.

NM_000237.3(LPL):c.833C>G (p.Ser278Cys)

Gene: LPL (lipoprotein lipase; plus strand). Cytogenetic location: 8p21.3.
Variant type: single nucleotide variant.
Coding change: c.833C>G on transcript NM_000237.3 (MANE Select); coding-DNA position 833, C replaced by G.
Protein change: p.Ser278Cys; replaces serine 278 with cysteine.
Molecular consequence: missense variant.
Genome position (GRCh38, 1-based): chr8:19,955,898, C>G. VCF-style: chr8-19955898-C-G. GRCh37 (hg19) VCF-style: chr8-19813409-C-G.
Other names: short protein forms S278C.
Identifiers: ClinVar variation 3902607 (VCV003902607.1).